The following is an entry in ClinVar:

NM_000051.4(ATM):c.5763-8T>C

Genes: ATM (ATM serine/threonine kinase; plus strand), C11orf65 (chromosome 11 open reading frame 65; minus strand). Cytogenetic location: 11q22.3.
Variant type: single nucleotide variant.
Coding change: c.5763-8T>C on transcript NM_000051.4 (MANE Select); 8 bases into the intron before coding-DNA position 5763, T replaced by C.
Molecular consequence: intron variant.
Genome position (GRCh38, 1-based): chr11:108,310,152, T>C. VCF-style: chr11-108310152-T-C. GRCh37 (hg19) VCF-style: chr11-108180879-T-C.
Other names: c.5763-8T>C (NM_001351834.2); c.641-1081A>G (NM_001330368.2); c.*39-1081A>G (NM_001351110.2).
Identifiers: ClinVar variation 3254509 (VCV003254509.1), dbSNP rs2136010657.

ClinVar aggregate classification (germline): Likely benign (1 of 4 stars; one submission).

Conditions:
Familial cancer of breast. Also called: hereditary breast carcinoma; BREAST CANCER, FAMILIAL; Hereditary breast cancer. Identifiers: Orphanet 227535, MedGen C0346153, MONDO:0016419, OMIM 114480. Disease mechanism: loss of function.

Allele frequency attached by ClinVar (database versions not stated): gnomAD exomes below 0.00001.
gnomAD v4.1: 1 of 1,612,054 alleles (0.000062%); highest among the groups gnomAD compares: Non-Finnish European, 0.000085%; no homozygotes.

Submission:

Myriad Genetics, Inc.
Classification: Likely benign for Familial cancer of breast. Last evaluated: 2024-05-24. Review status: criteria provided, single submitter. Criteria: Myriad Autosomal Dominant, Autosomal Recessive and X-Linked Classification Criteria (2023). Collection method: clinical testing. Allele origin: unknown.
Comment: This variant is considered likely benign. This variant is intronic and is not expected to impact mRNA splicing.